The following is an entry in ClinVar:

NM_182914.3(SYNE2):c.18273G>A (p.Leu6091=)

Gene: SYNE2 (spectrin repeat containing nuclear envelope protein 2; plus strand). Cytogenetic location: 14q23.2.
Variant type: single nucleotide variant.
Coding change: c.18273G>A on transcript NM_182914.3 (MANE Select); coding-DNA position 18273, G replaced by A.
Protein change: p.Leu6091=; no amino-acid change (leucine 6091 retained).
Molecular consequence: synonymous variant.
Genome position (GRCh38, 1-based): chr14:64,208,829, G>A. VCF-style: chr14-64208829-G-A. GRCh37 (hg19) VCF-style: chr14-64675547-G-A.
Other names: c.18273G>A, p.Leu6091= (NM_015180.6).
Identifiers: ClinVar variation 719567 (VCV000719567.23), dbSNP rs1051308118, ClinGen allele CA261822074.

ClinVar aggregate classification (germline): Likely benign. Review status: criteria provided, multiple submitters, no conflicts (2 of 4 stars). 2 submissions from 2 submitters: Likely benign (2). Last evaluated 2025-02-01.

Conditions:
Emery-Dreifuss muscular dystrophy 5, autosomal dominant (EDMD5). Also called: EMERY-DREIFUSS MUSCULAR DYSTROPHY 5. Identifiers: Orphanet 261, MedGen C2751805, MONDO:0013072, OMIM 612999.

Allele frequency attached by ClinVar (database versions not stated): gnomAD exomes below 0.00001 and 0.00003; TOPMed 0.00001; gnomAD 0.00003.
gnomAD v4.1: 45 of 1,614,106 alleles (0.0028%); highest among the groups gnomAD compares: Non-Finnish European, 0.0034%; no homozygotes.

Submissions (2):

CeGaT Center for Human Genetics Tuebingen
Classification: Likely benign. Last evaluated: 2025-02-01. Review status: criteria provided, single submitter. Criteria: CeGaT Center For Human Genetics Tuebingen Variant Classification Criteria Version 2. Collection method: clinical testing. Allele origin: germline. Affected: yes. Observed: 1 variant allele.
Comment: SYNE2: BP4, BP7

Labcorp Genetics (formerly Invitae), Labcorp
Classification: Likely benign for Emery-Dreifuss muscular dystrophy 5, autosomal dominant. Last evaluated: 2023-10-03. Review status: criteria provided, single submitter. Criteria: Invitae Variant Classification Sherloc (09022015). Collection method: clinical testing. Allele origin: germline.